The following is an entry in ClinVar:

ClinVar aggregate classification (germline): Conflicting classifications of pathogenicity. Review status: criteria provided, conflicting classifications (1 of 4 stars). 2 submissions from 2 submitters: Uncertain significance (1); Likely benign (1). Last evaluated 2025-08-24.

Conditions:
Melanoma, cutaneous malignant, susceptibility to, 5. Also called: Cutaneous malignant melanoma 5. Identifiers: Orphanet 618, MedGen C2751295, MONDO:0013133, OMIM 613099.

Submissions (2):

Labcorp Genetics (formerly Invitae), Labcorp
Classification: Uncertain significance for Melanoma, cutaneous malignant, susceptibility to, 5. Last evaluated: 2025-08-24. Review status: criteria provided, single submitter. Criteria: Invitae Variant Classification Sherloc (09022015). Collection method: clinical testing. Allele origin: germline.
Comment: This sequence change affects codon 105 of the MC1R mRNA. It is a 'silent' change, meaning that it does not change the encoded amino acid sequence of the MC1R protein. This variant is not present in population databases (gnomAD no frequency). This variant has not been reported in the literature in individuals affected with MC1R-related conditions. ClinVar contains an entry for this variant (Variation ID: 4052399). In summary, the available evidence is currently insufficient to determine the role of this variant in disease. Therefore, it has been classified as a Variant of Uncertain Significance.

Ambry Genetics
Classification: Likely benign. Last evaluated: 2025-03-29. Review status: criteria provided, single submitter. Criteria: Ambry Variant Classification Scheme 2023. Collection method: clinical testing. Allele origin: germline.

NM_002386.4(MC1R):c.315A>G (p.Ala105=)

Gene: MC1R (melanocortin 1 receptor; plus strand). Cytogenetic location: 16q24.3.
Variant type: single nucleotide variant.
Coding change: c.315A>G on transcript NM_002386.4 (MANE Select); coding-DNA position 315, A replaced by G.
Protein change: p.Ala105=; no amino-acid change (alanine 105 retained).
Molecular consequence: synonymous variant.
Genome position (GRCh38, 1-based): chr16:89,919,573, A>G. VCF-style: chr16-89919573-A-G. GRCh37 (hg19) VCF-style: chr16-89985981-A-G.
Identifiers: ClinVar variation 4052399 (VCV004052399.2).